The following is an entry in ClinVar:

ClinVar aggregate classification (germline): Conflicting classifications of pathogenicity. Review status: criteria provided, conflicting classifications (1 of 4 stars). 5 submissions from 5 submitters: Uncertain significance (1); Likely benign (3). 1 of the submissions does not count toward it. Last evaluated 2025-06-08.

Conditions:
Hereditary breast ovarian cancer syndrome. Also called: Hereditary breast and ovarian cancer syndrome; Hereditary breast and ovarian cancer; Hereditary breast and ovarian cancer syndrome (HBOC); Breast and ovarian cancer; BRCA1- and BRCA2-Associated Hereditary Breast and Ovarian Cancer; Hereditary breast and/or ovarian cancer syndrome. Identifiers: Orphanet 145, MedGen C0677776, MeSH D061325, MONDO:0003582. Disease mechanism: loss of function.
Breast-ovarian cancer, familial, susceptibility to, 2 (BROVCA2). Also called: BRCA2 Hereditary Breast and Ovarian Cancer. Identifiers: Orphanet 145, MedGen C2675520, MONDO:0012933, OMIM 612555. Disease mechanism: loss of function.

gnomAD v4.1: 4 of 1,601,378 alleles (0.00025%); highest among the groups gnomAD compares: Admixed American, 0.005%; no homozygotes.

Submissions (5):

Labcorp Genetics (formerly Invitae), Labcorp
Classification: Likely benign for Hereditary breast ovarian cancer syndrome. Last evaluated: 2025-06-08. Review status: criteria provided, single submitter. Criteria: Invitae Variant Classification Sherloc (09022015). Collection method: clinical testing. Allele origin: germline.

Women's Health and Genetics/Laboratory Corporation of America, LabCorp
Classification: Likely benign. Last evaluated: 2024-12-11. Review status: criteria provided, single submitter. Criteria: LabCorp Variant Classification Summary - May 2015. Collection method: clinical testing. Allele origin: germline.

GeneDx
Classification: Likely benign. Last evaluated: 2016-02-09. Review status: criteria provided, single submitter. Criteria: GeneDx Variant Classification (06012015). Collection method: clinical testing. Allele origin: germline. Affected: yes.
Comment: This variant is considered likely benign or benign based on one or more of the following criteria: it is a conservative change, it occurs at a poorly conserved position in the protein, it is predicted to be benign by multiple in silico algorithms, and/or has population frequency not consistent with disease.

Eurofins Ntd Llc (ga)
Classification: Uncertain significance. Last evaluated: 2014-10-24. Review status: criteria provided, single submitter. Criteria: EGL Classification Definitions 2015. Collection method: clinical testing. Allele origin: germline. Observed: 1 variant allele, 1 heterozygote.

Counsyl
Classification: Likely benign for Breast-ovarian cancer, familial, susceptibility to, 2. Last evaluated: 2017-07-24. Review status: no assertion criteria provided. Collection method: clinical testing. Allele origin: unknown. Not counted in ClinVar's aggregate classification.

NM_000059.4(BRCA2):c.67+16A>T

Gene: BRCA2 (BRCA2 DNA repair associated; plus strand). Cytogenetic location: 13q13.1.
Variant type: single nucleotide variant.
Coding change: c.67+16A>T on transcript NM_000059.4 (MANE Select); 16 bases into the intron after coding-DNA position 67, A replaced by T.
Molecular consequence: intron variant.
Genome position (GRCh38, 1-based): chr13:32,316,543, A>T. VCF-style: chr13-32316543-A-T. GRCh37 (hg19) VCF-style: chr13-32890680-A-T.
Identifiers: ClinVar variation 135812 (VCV000135812.17), dbSNP rs529148674, ClinGen allele CA024324.